The following is an entry in ClinVar:

NM_002519.3(NPAT):c.3214C>G (p.Pro1072Ala)

Gene: NPAT (nuclear protein, coactivator of histone transcription; minus strand). Cytogenetic location: 11q22.3.
Variant type: single nucleotide variant.
Coding change: c.3214C>G on transcript NM_002519.3 (MANE Select); coding-DNA position 3214, C replaced by G.
Protein change: p.Pro1072Ala; replaces proline 1072 with alanine.
Molecular consequence: missense variant.
Genome position (GRCh38, 1-based): chr11:108,161,872, G>C on the plus strand (C>G on the coding strand, the complement: NPAT is on the minus strand). VCF-style: chr11-108161872-G-C. GRCh37 (hg19) VCF-style: chr11-108032599-G-C.
Other names: c.3235C>G, p.Pro1079Ala (NM_001321307.1); short protein forms P1072A, P1079A.
Identifiers: ClinVar variation 3407234 (VCV003407234.1).

ClinVar aggregate classification (germline): Uncertain significance (1 of 4 stars; one submission).

Submission:

Ambry Genetics
Classification: Uncertain significance. Last evaluated: 2024-10-11. Review status: criteria provided, single submitter. Criteria: Ambry Variant Classification Scheme 2023. Collection method: clinical testing. Allele origin: germline.
Comment: The p.P1072A variant (also known as c.3214C>G), located in coding exon 17 of the NPAT gene, results from a C to G substitution at nucleotide position 3214. The proline at codon 1072 is replaced by alanine, an amino acid with highly similar properties. This amino acid position is conserved. In addition, this alteration is predicted to be tolerated by in silico analysis. Based on the available evidence, the clinical significance of this variant remains unclear.